The following is an entry in ClinVar:

ClinVar aggregate classification (germline): Uncertain significance (1 of 4 stars; one submission).

Allele frequency attached by ClinVar (database versions not stated): TOPMed below 0.00001; gnomAD exomes 0.00001; ExAC 0.00004.
gnomAD v4.1: 7 of 1,606,778 alleles (0.00044%); highest among the groups gnomAD compares: Non-Finnish European, 0.00059%; no homozygotes.

Submission:

Labcorp Genetics (formerly Invitae), Labcorp
Classification: Uncertain significance. Last evaluated: 2022-08-07. Review status: criteria provided, single submitter. Criteria: Invitae Variant Classification Sherloc (09022015). Collection method: clinical testing. Allele origin: germline.
Comment: In summary, the available evidence is currently insufficient to determine the role of this variant in disease. Therefore, it has been classified as a Variant of Uncertain Significance. Algorithms developed to predict the effect of missense changes on protein structure and function are either unavailable or do not agree on the potential impact of this missense change (SIFT: "Deleterious"; PolyPhen-2: "Possibly Damaging"; Align-GVGD: "Class C15"). This variant has not been reported in the literature in individuals affected with MPDZ-related conditions. This variant is present in population databases (rs757433006, gnomAD 0.005%). This sequence change replaces serine, which is neutral and polar, with cysteine, which is neutral and slightly polar, at codon 483 of the MPDZ protein (p.Ser483Cys).

NM_001378778.1(MPDZ):c.1448C>G (p.Ser483Cys)

Gene: MPDZ (multiple PDZ domain crumbs cell polarity complex component; minus strand). Cytogenetic location: 9p23.
Variant type: single nucleotide variant.
Coding change: c.1448C>G on transcript NM_001378778.1 (MANE Select); coding-DNA position 1448, C replaced by G.
Protein change: p.Ser483Cys; replaces serine 483 with cysteine.
Molecular consequence: missense variant.
Genome position (GRCh38, 1-based): chr9:13,205,942, G>C on the plus strand (C>G on the coding strand, the complement: MPDZ is on the minus strand). VCF-style: chr9-13205942-G-C. GRCh37 (hg19) VCF-style: chr9-13205941-G-C.
Other names: c.1448C>G, p.Ser483Cys (NM_001261406.2, NM_001261407.2, NM_001330637.2 and 14 more transcripts); short protein forms S483C.
Identifiers: ClinVar variation 1964652 (VCV001964652.5), dbSNP rs757433006, ClinGen allele CA4987781.